The following is an entry in ClinVar:

ClinVar aggregate classification (germline): Uncertain significance (1 of 4 stars; one submission).

Allele frequency attached by ClinVar (database versions not stated): gnomAD exomes below 0.00001.
gnomAD v4.1: 1 of 1,613,832 alleles (0.000062%); highest among the groups gnomAD compares: Non-Finnish European, 0.000085%; no homozygotes.

Submission:

Labcorp Genetics (formerly Invitae), Labcorp
Classification: Uncertain significance. Last evaluated: 2022-08-19. Review status: criteria provided, single submitter. Criteria: Invitae Variant Classification Sherloc (09022015). Collection method: clinical testing. Allele origin: germline.
Comment: In summary, the available evidence is currently insufficient to determine the role of this variant in disease. Therefore, it has been classified as a Variant of Uncertain Significance. Algorithms developed to predict the effect of missense changes on protein structure and function are either unavailable or do not agree on the potential impact of this missense change (SIFT: "Tolerated"; PolyPhen-2: "Probably Damaging"; Align-GVGD: "Class C0"). This variant has not been reported in the literature in individuals affected with TTC37-related conditions. This variant is not present in population databases (gnomAD no frequency). This sequence change replaces glutamine, which is neutral and polar, with arginine, which is basic and polar, at codon 316 of the TTC37 protein (p.Gln316Arg).

NM_014639.4(SKIC3):c.947A>G (p.Gln316Arg)

Gene: SKIC3 (SKI3 subunit of superkiller complex; minus strand). Cytogenetic location: 5q15.
Variant type: single nucleotide variant.
Coding change: c.947A>G on transcript NM_014639.4 (MANE Select); coding-DNA position 947, A replaced by G.
Protein change: p.Gln316Arg; replaces glutamine 316 with arginine.
Molecular consequence: missense variant.
Genome position (GRCh38, 1-based): chr5:95,529,048, T>C on the plus strand (A>G on the coding strand, the complement: SKIC3 is on the minus strand). VCF-style: chr5-95529048-T-C. GRCh37 (hg19) VCF-style: chr5-94864752-T-C.
Other names: short protein forms Q316R.
Identifiers: ClinVar variation 1960230 (VCV001960230.3), dbSNP rs2530781115, ClinGen allele CA360466357.